The following is an entry in ClinVar:

NM_005045.4(RELN):c.848T>C (p.Ile283Thr)

Gene: RELN (reelin; minus strand). Cytogenetic location: 7q22.1.
Variant type: single nucleotide variant.
Coding change: c.848T>C on transcript NM_005045.4 (MANE Select); coding-DNA position 848, T replaced by C.
Protein change: p.Ile283Thr; replaces isoleucine 283 with threonine.
Molecular consequence: missense variant.
Genome position (GRCh38, 1-based): chr7:103,700,964, A>G on the plus strand (T>C on the coding strand, the complement: RELN is on the minus strand). VCF-style: chr7-103700964-A-G. GRCh37 (hg19) VCF-style: chr7-103341411-A-G.
Other names: c.848T>C, p.Ile283Thr (NM_173054.3); short protein forms I283T.
Identifiers: ClinVar variation 4794353 (VCV004794353.1).

ClinVar aggregate classification (germline): Uncertain significance (1 of 4 stars; one submission).

Conditions:
Norman-Roberts syndrome (LIS2). Also called: Lissencephaly 2 (Norman-Roberts type). Identifiers: Orphanet 89844, MedGen C0796089, MONDO:0009760, OMIM 257320.
Familial temporal lobe epilepsy 7. Identifiers: Orphanet 101046, MedGen C4225327, MONDO:0014639, OMIM 616436.

gnomAD v4.1: 8 of 1,612,696 alleles (0.0005%); highest among the groups gnomAD compares: South Asian, 0.0077%; no homozygotes.

Submission:

Labcorp Genetics (formerly Invitae), Labcorp
Classification: Uncertain significance for Familial temporal lobe epilepsy 7; Norman-Roberts syndrome. Last evaluated: 2025-12-30. Review status: criteria provided, single submitter. Criteria: Invitae Variant Classification Sherloc (09022015). Collection method: clinical testing. Allele origin: germline.
Comment: This sequence change replaces isoleucine, which is neutral and non-polar, with threonine, which is neutral and polar, at codon 283 of the RELN protein (p.Ile283Thr). This variant is present in population databases (rs774670313, gnomAD 0.006%). This variant has not been reported in the literature in individuals affected with RELN-related conditions. Invitae Evidence Modeling of protein sequence and biophysical properties (such as structural, functional, and spatial information, amino acid conservation, physicochemical variation, residue mobility, and thermodynamic stability) indicates that this missense variant is not expected to disrupt RELN protein function with a negative predictive value of 80%. In summary, the available evidence is currently insufficient to determine the role of this variant in disease. Therefore, it has been classified as a Variant of Uncertain Significance.